The following is an entry in ClinVar:

NM_025243.4(SLC19A3):c.513C>G (p.Tyr171Ter)

Gene: SLC19A3 (solute carrier family 19 member 3; minus strand). Cytogenetic location: 2q36.3.
Variant type: single nucleotide variant.
Coding change: c.513C>G on transcript NM_025243.4 (MANE Select); coding-DNA position 513, C replaced by G.
Protein change: p.Tyr171Ter; replaces tyrosine 171 with a stop codon.
Molecular consequence: nonsense.
Genome position (GRCh38, 1-based): chr2:227,699,202, G>C on the plus strand (C>G on the coding strand, the complement: SLC19A3 is on the minus strand). VCF-style: chr2-227699202-G-C. GRCh37 (hg19) VCF-style: chr2-228563918-G-C.
Other names: c.513C>G, p.Tyr171Ter (NM_001371411.1, NM_001371412.1); c.501C>G, p.Tyr167Ter (NM_001371413.1, NM_001371414.1); short protein forms Y167*, Y171*.
Identifiers: ClinVar variation 5013827 (VCV005013827.1).

ClinVar aggregate classification (germline): Pathogenic (1 of 4 stars; one submission).

Conditions:
Biotin-responsive basal ganglia disease (BTBGD). Also called: Thiamine metabolism dysfunction syndrome 2 (biotin- or thiamine-responsive encephalopathy type 2); Thiamine metabolism dysfunction syndrome type 2; Thiamine Transporter-2 Deficiency; thiamine-responsive encephalopathy; THIAMINE METABOLISM DYSFUNCTION SYNDROME 2 (BIOTIN- AND THIAMINE-RESPONSIVE TYPE). Identifiers: Orphanet 199348, Orphanet 65284, MedGen C1843807, MONDO:0011841, OMIM 607483.

Submission:

Myriad Genetics, Inc.
Classification: Pathogenic for Biotin-responsive basal ganglia disease. Last evaluated: 2024-11-30. Review status: criteria provided, single submitter. Criteria: Myriad Autosomal Dominant, Autosomal Recessive and X-Linked Classification Criteria (2023). Collection method: clinical testing. Allele origin: unknown.
Comment: NM_025243.3(SLC19A3):c.513C>G(Y171*) is expected to be pathogenic in the context of biotin-thiamine-responsive basal ganglia disease. This variant is predicted to lead to an abnormal or absent protein product due to the creation of a premature termination codon in SLC19A3, a gene where loss-of-function variants are known to be pathogenic. Please note: this variant was assessed in the context of healthy population screening.